The following is an entry in ClinVar:

NM_003995.4(NPR2):c.1670G>A (p.Arg557His)

Gene: NPR2 (natriuretic peptide receptor 2; plus strand). Cytogenetic location: 9p13.3.
Variant type: single nucleotide variant.
Coding change: c.1670G>A on transcript NM_003995.4 (MANE Select); coding-DNA position 1670, G replaced by A.
Protein change: p.Arg557His; replaces arginine 557 with histidine.
Molecular consequence: missense variant.
Genome position (GRCh38, 1-based): chr9:35,802,243, G>A. VCF-style: chr9-35802243-G-A. GRCh37 (hg19) VCF-style: chr9-35802240-G-A.
Other names: c.1679G>A, p.Arg560His (NM_001378923.1); short protein forms R557H, R560H.
Identifiers: ClinVar variation 1299621 (VCV001299621.11), dbSNP rs766118843, ClinGen allele CA5051777.

ClinVar aggregate classification (germline): Uncertain significance. Review status: criteria provided, multiple submitters, no conflicts (2 of 4 stars). 2 submissions from 2 submitters: Uncertain significance (2). Last evaluated 2021-10-06.

Conditions:
Short stature with nonspecific skeletal abnormalities. Identifiers: MedGen C4225399, MONDO:0975810.
Tall stature-scoliosis-macrodactyly of the great toes syndrome. Also called: Epiphyseal chondrodysplasia, miura type. Identifiers: Orphanet 329191, MedGen C4014690, MONDO:0014401, OMIM 615923.
Acromesomelic dysplasia 1, Maroteaux type (AMD1). Also called: ST. HELENA DYSPLASIA; ACROMESOMELIC DYSPLASIA 1. Identifiers: Orphanet 40, MedGen C1864356, MONDO:0011275, OMIM 602875.

Allele frequency attached by ClinVar (database versions not stated): ExAC 0.00002; TOPMed 0.00002; gnomAD exomes 0.00001; gnomAD 0.00003.

Submissions (2):

Laboratory of Medical Genetics, National & Kapodistrian University of Athens
Classification: Uncertain significance for Short stature with nonspecific skeletal abnormalities 1. Last evaluated: 2021-10-06. Review status: criteria provided, single submitter. Criteria: ACMG Guidelines, 2015. Collection method: clinical testing. Allele origin: unknown.
Comment: PM2, PP2, PP3

Labcorp Genetics (formerly Invitae), Labcorp
Classification: Uncertain significance for Tall stature-scoliosis-macrodactyly of the great toes syndrome; Acromesomelic dysplasia 1, Maroteaux type. Last evaluated: 2021-05-16. Review status: criteria provided, single submitter. Criteria: Invitae Variant Classification Sherloc (09022015). Collection method: clinical testing. Allele origin: germline.
Comment: This variant has been observed in individual(s) with clinical features of NPR2-related conditions (PMID: 31990356). Algorithms developed to predict the effect of missense changes on protein structure and function (SIFT, PolyPhen-2, Align-GVGD) all suggest that this variant is likely to be disruptive, but these predictions have not been confirmed by published functional studies and their clinical significance is uncertain. In summary, the available evidence is currently insufficient to determine the role of this variant in disease. Therefore, it has been classified as a Variant of Uncertain Significance. This variant is present in population databases (rs766118843, ExAC 0.01%). This sequence change replaces arginine with histidine at codon 557 of the NPR2 protein (p.Arg557His). The arginine residue is highly conserved and there is a small physicochemical difference between arginine and histidine.

Literature cited by the submitters: PubMed 31990356 (cited by Labcorp Genetics (formerly Invitae), Labcorp).